The following is an entry in ClinVar:

NM_001429.4(EP300):c.5466A>C (p.Leu1822=)

Gene: EP300 (E1A binding protein p300; plus strand). Cytogenetic location: 22q13.2.
Variant type: single nucleotide variant.
Coding change: c.5466A>C on transcript NM_001429.4 (MANE Select); coding-DNA position 5466, A replaced by C.
Protein change: p.Leu1822=; no amino-acid change (leucine 1822 retained).
Molecular consequence: synonymous variant.
Genome position (GRCh38, 1-based): chr22:41,177,177, A>C. VCF-style: chr22-41177177-A-C. GRCh37 (hg19) VCF-style: chr22-41573181-A-C.
Other names: c.5388A>C, p.Leu1796= (NM_001362843.2).
Identifiers: ClinVar variation 3352200 (VCV003352200.1).

ClinVar aggregate classification (germline): Likely benign (0 of 4 stars; one submission).

Conditions:
EP300-related disorder. Also called: EP300-related disorders; EP300-related condition.

Submission:

PreventionGenetics, part of Exact Sciences
Classification: Likely benign for EP300-related condition. Last evaluated: 2023-07-13. Review status: no assertion criteria provided. Collection method: clinical testing. Allele origin: germline.
Comment: This variant is classified as likely benign based on ACMG/AMP sequence variant interpretation guidelines (Richards et al. 2015 PMID: 25741868, with internal and published modifications).